The following is an entry in ClinVar:

NM_004168.4(SDHA):c.1551+6A>G

Gene: SDHA (succinate dehydrogenase complex flavoprotein subunit A; plus strand). Cytogenetic location: 5p15.33.
Variant type: single nucleotide variant.
Coding change: c.1551+6A>G on transcript NM_004168.4 (MANE Select); 6 bases into the intron after coding-DNA position 1551, A replaced by G.
Molecular consequence: intron variant.
Genome position (GRCh38, 1-based): chr5:240,482, A>G. VCF-style: chr5-240482-A-G. GRCh37 (hg19) VCF-style: chr5-240597-A-G.
Other names: c.1551+6A>G (NM_001330758.2); c.1407+6A>G (NM_001294332.2).
Identifiers: ClinVar variation 472339 (VCV000472339.9), dbSNP rs369507726, ClinGen allele CA3173274.

ClinVar aggregate classification (germline): Uncertain significance (1 of 4 stars; one submission).

Conditions:
Mitochondrial complex II deficiency, nuclear type 1. Also called: SUCCINATE CoQ REDUCTASE DEFICIENCY. Identifiers: Orphanet 3208, MedGen C5700310, MONDO:0100294, OMIM 252011.
Pheochromocytoma/paraganglioma syndrome 5. Also called: Paragangliomas 5; SDHA-Related Hereditary Paraganglioma-Pheochromocytoma Syndrome. Identifiers: Orphanet 29072, MedGen C3279992, MONDO:0013602, OMIM 614165.

Allele frequency attached by ClinVar (database versions not stated): gnomAD exomes below 0.00001; ExAC 0.00001; ESP Exome Variant Server 0.00008.

Submission:

Labcorp Genetics (formerly Invitae), Labcorp
Classification: Uncertain significance for Pheochromocytoma/paraganglioma syndrome 5; Mitochondrial complex II deficiency, nuclear type 1. Last evaluated: 2024-11-30. Review status: criteria provided, single submitter. Criteria: Invitae Variant Classification Sherloc (09022015). Collection method: clinical testing. Allele origin: germline.
Comment: This sequence change falls in intron 11 of the SDHA gene. It does not directly change the encoded amino acid sequence of the SDHA protein. It affects a nucleotide within the consensus splice site. This variant is present in population databases (rs369507726, gnomAD 0.0009%). This variant has not been reported in the literature in individuals affected with SDHA-related conditions. ClinVar contains an entry for this variant (Variation ID: 472339). Variants that disrupt the consensus splice site are a relatively common cause of aberrant splicing (PMID: 17576681, 9536098). Algorithms developed to predict the effect of sequence changes on RNA splicing suggest that this variant is not likely to affect RNA splicing. In summary, the available evidence is currently insufficient to determine the role of this variant in disease. Therefore, it has been classified as a Variant of Uncertain Significance.

Literature cited by the submitters: PubMed 17576681; PubMed 9536098.